The following is an entry in ClinVar:

ClinVar aggregate classification (germline): Uncertain significance (1 of 4 stars; one submission).

Conditions:
Hypertrophic cardiomyopathy. Also called: HYPERTROPHIC MYOCARDIOPATHY. Identifiers: Orphanet 217569, MedGen C0007194, MeSH D002312, MONDO:0005045, HP:0001639.

Submission:

Labcorp Genetics (formerly Invitae), Labcorp
Classification: Uncertain significance for Hypertrophic cardiomyopathy. Last evaluated: 2024-10-17. Review status: criteria provided, single submitter. Criteria: Invitae Variant Classification Sherloc (09022015). Collection method: clinical testing. Allele origin: germline.
Comment: This sequence change replaces proline, which is neutral and non-polar, with serine, which is neutral and polar, at codon 465 of the JPH2 protein (p.Pro465Ser). This variant is not present in population databases (gnomAD no frequency). This variant has not been reported in the literature in individuals affected with JPH2-related conditions. An algorithm developed to predict the effect of missense changes on protein structure and function (PolyPhen-2) suggests that this variant is likely to be tolerated. In summary, the available evidence is currently insufficient to determine the role of this variant in disease. Therefore, it has been classified as a Variant of Uncertain Significance.

NM_020433.5(JPH2):c.1393C>T (p.Pro465Ser)

Gene: JPH2 (junctophilin 2; minus strand). Cytogenetic location: 20q13.12.
Variant type: single nucleotide variant.
Coding change: c.1393C>T on transcript NM_020433.5 (MANE Select); coding-DNA position 1393, C replaced by T.
Protein change: p.Pro465Ser; replaces proline 465 with serine.
Molecular consequence: missense variant.
Genome position (GRCh38, 1-based): chr20:44,116,282, G>A on the plus strand (C>T on the coding strand, the complement: JPH2 is on the minus strand). VCF-style: chr20-44116282-G-A. GRCh37 (hg19) VCF-style: chr20-42744922-G-A.
Other names: short protein forms P465S.
Identifiers: ClinVar variation 2959609 (VCV002959609.3), dbSNP rs2515718501, ClinGen allele CA409100719.